The following is an entry in ClinVar:

ClinVar aggregate classification (germline): Conflicting classifications of pathogenicity. Review status: criteria provided, conflicting classifications (1 of 4 stars). 2 submissions from 2 submitters: Uncertain significance (1); Likely benign (1). Last evaluated 2024-08-26.

Allele frequency attached by ClinVar (database versions not stated): gnomAD 0.00001; gnomAD exomes 0.00003; ExAC 0.00006.
gnomAD v4.1: 40 of 1,613,874 alleles (0.0025%); highest among the groups gnomAD compares: Middle Eastern, 0.033%; no homozygotes.

Submissions (2):

Blueprint Genetics
Classification: Likely benign. Last evaluated: 2024-08-26. Review status: criteria provided, single submitter. Criteria: ACMG Guidelines, 2015. Collection method: clinical testing. Allele origin: germline.

Labcorp Genetics (formerly Invitae), Labcorp
Classification: Uncertain significance. Last evaluated: 2023-04-24. Review status: criteria provided, single submitter. Criteria: Invitae Variant Classification Sherloc (09022015). Collection method: clinical testing. Allele origin: germline.
Comment: This variant has not been reported in the literature in individuals affected with VCAN-related conditions. This sequence change replaces valine, which is neutral and non-polar, with isoleucine, which is neutral and non-polar, at codon 1856 of the VCAN protein (p.Val1856Ile). This variant is present in population databases (rs758138343, gnomAD 0.01%). An algorithm developed to predict the effect of missense changes on protein structure and function (PolyPhen-2) suggests that this variant is likely to be tolerated. In summary, the available evidence is currently insufficient to determine the role of this variant in disease. Therefore, it has been classified as a Variant of Uncertain Significance.

NM_004385.5(VCAN):c.5566G>A (p.Val1856Ile)

Genes: VCAN (versican; plus strand), VCAN-AS1 (VCAN antisense RNA 1; minus strand). Cytogenetic location: 5q14.3.
Variant type: single nucleotide variant.
Coding change: c.5566G>A on transcript NM_004385.5 (MANE Select); coding-DNA position 5566, G replaced by A.
Protein change: p.Val1856Ile; replaces valine 1856 with isoleucine.
Molecular consequence: missense variant. On other transcripts: intron variant (2).
Genome position (GRCh38, 1-based): chr5:83,538,569, G>A. VCF-style: chr5-83538569-G-A. GRCh37 (hg19) VCF-style: chr5-82834388-G-A.
Other names: c.2605G>A, p.Val869Ile (NM_001164097.2); c.4004-6968G>A (NM_001164098.2); c.1043-6968G>A (NM_001126336.3); short protein forms V869I, V1856I.
Identifiers: ClinVar variation 2896628 (VCV002896628.4), dbSNP rs758138343, ClinGen allele CA3333346.